The following is an entry in ClinVar:

NM_015102.5(NPHP4):c.2818-2A>T

Gene: NPHP4 (nephrocystin 4; minus strand). Cytogenetic location: 1p36.31.
Variant type: single nucleotide variant.
Coding change: c.2818-2A>T on transcript NM_015102.5 (MANE Select); the canonical splice acceptor site of the intron before coding-DNA position 2818, A replaced by T.
Molecular consequence: splice acceptor variant.
Genome position (GRCh38, 1-based): chr1:5,875,102, T>A on the plus strand (A>T on the coding strand, the complement: NPHP4 is on the minus strand). VCF-style: chr1-5875102-T-A. GRCh37 (hg19) VCF-style: chr1-5935162-A-A.
Other names: c.1282-2A>T (NM_001291594.2); c.1279-2A>T (NM_001291593.2).
Identifiers: ClinVar variation 4851938 (VCV004851938.1).

ClinVar aggregate classification (germline): Benign (1 of 4 stars; one submission).

gnomAD v4.1: 270,879 of 1,593,470 alleles (17%); highest among the groups gnomAD compares: Middle Eastern, 23%; 23,961 homozygotes.

Submission:

Dasa
Classification: Benign. Last evaluated: 2024-01-16. Review status: criteria provided, single submitter. Criteria: DASA Assertion Criteria. Collection method: clinical testing. Allele origin: germline.
Comment: NM_015102.5(NPHP4):c.2818-2A>T is interpreted as benign based on a combination of available evidence, which may include population frequency, observations in unaffected individuals, intact protein function, lack of segregation with disease, in silico models, amino acid conservation, lack of disease association in case-control studies, and/or inconsistency with the known disease mechanism or impacted region. Based on the available data, this variant is classified as benign.